The following is an entry in ClinVar:

ClinVar aggregate classification (germline): Benign (1 of 4 stars; one submission).

Conditions:
Familial cancer of breast. Also called: Hereditary breast cancer; hereditary breast carcinoma; BREAST CANCER, FAMILIAL. Identifiers: Orphanet 227535, MedGen C0346153, MONDO:0016419, OMIM 114480. Disease mechanism: loss of function.

Submission:

Myriad Genetics, Inc.
Classification: Benign for Familial cancer of breast. Last evaluated: 2025-01-16. Review status: criteria provided, single submitter. Criteria: Myriad Autosomal Dominant, Autosomal Recessive and X-Linked Classification Criteria (2023). Collection method: clinical testing. Allele origin: unknown.
Comment: This variant is considered benign. This variant is a silent/synonymous amino acid change and it is not expected to impact splicing.

NM_024675.4(PALB2):c.2472T>C (p.Cys824=)

Gene: PALB2 (partner and localizer of BRCA2; minus strand). Cytogenetic location: 16p12.2.
Variant type: single nucleotide variant.
Coding change: c.2472T>C on transcript NM_024675.4 (MANE Select); coding-DNA position 2472, T replaced by C.
Protein change: p.Cys824=; no amino-acid change (cysteine 824 retained).
Molecular consequence: synonymous variant. On other transcripts: intron variant (1).
Genome position (GRCh38, 1-based): chr16:23,629,682, A>G on the plus strand (T>C on the coding strand, the complement: PALB2 is on the minus strand). VCF-style: chr16-23629682-A-G. GRCh37 (hg19) VCF-style: chr16-23641003-A-G.
Other names: c.2412T>C, p.Cys804= (NM_001407296.1); c.2472T>C, p.Cys824= (NM_001407297.1, NM_001407298.1, NM_001407299.1 and 3 more transcripts); c.1587T>C, p.Cys529= (NM_001407304.1, NM_001407305.1, NM_001407306.1 and 5 more transcripts); c.684T>C, p.Cys228= (NM_001407312.1, NM_001407313.1); c.49-407T>C (NM_001407314.1).
Identifiers: ClinVar variation 3903713 (VCV003903713.1).